The following is an entry in ClinVar:

NM_024989.4(PGAP1):c.2327G>A (p.Ser776Asn)

Gene: PGAP1 (post-GPI attachment to proteins inositol deacylase 1; minus strand). Cytogenetic location: 2q33.1.
Variant type: single nucleotide variant.
Coding change: c.2327G>A on transcript NM_024989.4 (MANE Select); coding-DNA position 2327, G replaced by A.
Protein change: p.Ser776Asn; replaces serine 776 with asparagine.
Molecular consequence: missense variant.
Genome position (GRCh38, 1-based): chr2:196,844,534, C>T on the plus strand (G>A on the coding strand, the complement: PGAP1 is on the minus strand). VCF-style: chr2-196844534-C-T. GRCh37 (hg19) VCF-style: chr2-197709258-C-T.
Other names: c.1805G>A, p.Ser602Asn (NM_001321099.2); c.1160G>A, p.Ser387Asn (NM_001321100.2); short protein forms S776N, S602N, S387N.
Identifiers: ClinVar variation 2150448 (VCV002150448.2), dbSNP rs1177010707, ClinGen allele CA350184893.

ClinVar aggregate classification (germline): Uncertain significance (1 of 4 stars; one submission).

Conditions:
Intellectual disability, autosomal recessive 42 (NEDDSBA). Also called: Neurodevelopmental disorder with dysmorphic features, spasticity, and brain abnormalities; GLYCOSYLPHOSPHATIDYLINOSITOL BIOSYNTHESIS DEFECT 9. Identifiers: Orphanet 88616, MedGen C4014343, MONDO:0014348, OMIM 615802.

Allele frequency attached by ClinVar (database versions not stated): gnomAD exomes below 0.00001; gnomAD 0.00001; TOPMed 0.00002.
gnomAD v4.1: 3 of 1,595,930 alleles (0.00019%); highest among the groups gnomAD compares: Non-Finnish European, 0.00026%; no homozygotes.

Submission:

Labcorp Genetics (formerly Invitae), Labcorp
Classification: Uncertain significance for Intellectual disability, autosomal recessive 42. Last evaluated: 2024-11-11. Review status: criteria provided, single submitter. Criteria: Invitae Variant Classification Sherloc (09022015). Collection method: clinical testing. Allele origin: germline.
Comment: This sequence change replaces serine, which is neutral and polar, with asparagine, which is neutral and polar, at codon 776 of the PGAP1 protein (p.Ser776Asn). This variant is not present in population databases (gnomAD no frequency). This variant has not been reported in the literature in individuals affected with PGAP1-related conditions. ClinVar contains an entry for this variant (Variation ID: 2150448). An algorithm developed to predict the effect of missense changes on protein structure and function outputs the following: PolyPhen-2: "Benign". The asparagine amino acid residue is found in multiple mammalian species, which suggests that this missense change does not adversely affect protein function. In summary, the available evidence is currently insufficient to determine the role of this variant in disease. Therefore, it has been classified as a Variant of Uncertain Significance.